The following is an entry in ClinVar:

ClinVar aggregate classification (germline): Uncertain significance. Review status: criteria provided, multiple submitters, no conflicts (2 of 4 stars). 5 submissions from 5 submitters: Uncertain significance (5). Last evaluated 2025-10-15.

Conditions:
Hereditary cancer-predisposing syndrome. Also called: Neoplastic Syndromes, Hereditary; Hereditary neoplastic syndrome; Hereditary Cancer Syndrome; Tumor predisposition. Identifiers: Orphanet 140162, MedGen C0027672, MeSH D009386, MONDO:0015356.
Multiple endocrine neoplasia type 4. Also called: MULTIPLE ENDOCRINE NEOPLASIA, TYPE IV. Identifiers: Orphanet 276152, MedGen C1970712, MONDO:0012552, OMIM 610755.

Allele frequency attached by ClinVar (database versions not stated): TOPMed below 0.00001; ExAC 0.00001; gnomAD exomes 0.00001.

Submissions (5):

Labcorp Genetics (formerly Invitae), Labcorp
Classification: Uncertain significance for Multiple endocrine neoplasia type 4. Last evaluated: 2025-10-15. Review status: criteria provided, single submitter. Criteria: Invitae Variant Classification Sherloc (09022015). Collection method: clinical testing. Allele origin: germline.
Comment: This sequence change replaces serine, which is neutral and polar, with threonine, which is neutral and polar, at codon 56 of the CDKN1B protein (p.Ser56Thr). This variant is present in population databases (rs758686055, gnomAD 0.003%). This missense change has been observed in individual(s) with pituitary adenoma and somatotropinoma (PMID: 22291433). ClinVar contains an entry for this variant (Variation ID: 948905). An algorithm developed to predict the effect of missense changes on protein structure and function (PolyPhen-2) suggests that this variant is likely to be tolerated. In summary, the available evidence is currently insufficient to determine the role of this variant in disease. Therefore, it has been classified as a Variant of Uncertain Significance.

Quest Diagnostics Nichols Institute San Juan Capistrano
Classification: Uncertain significance. Last evaluated: 2025-10-13. Review status: criteria provided, single submitter. Criteria: Quest Diagnostics criteria. Collection method: clinical testing. Allele origin: unknown.
Comment: The CDKN1B c.167G>C (p.Ser56Thr) variant has been reported in the published literature in a family with familial isolated pituitary adenoma (FIPA) as well as reportedly unaffected individuals (PMID: 22291433 (2012)). This variant has also been reported as a somatic variant in an individual with B-cell lymphoma (PMID: 34788985 (2022)). The frequency of this variant in the general population (Genome Aggregation Database) is uninformative in the assessment of its pathogenicity. Analysis of this variant using bioinformatics tools for the prediction of the effect of amino acid changes on protein structure and function yielded predictions that this variant is benign. Based on the available information, we are unable to determine the clinical significance of this variant.

Fulgent Genetics
Classification: Uncertain significance for Multiple endocrine neoplasia type 4. Last evaluated: 2024-02-01. Review status: criteria provided, single submitter. Criteria: ACMG Guidelines, 2015. Collection method: clinical testing. Allele origin: germline.

Ambry Genetics
Classification: Uncertain significance for Hereditary cancer-predisposing syndrome. Last evaluated: 2023-12-13. Review status: criteria provided, single submitter. Criteria: Ambry Variant Classification Scheme 2023. Collection method: clinical testing. Allele origin: germline.
Comment: The p.S56T variant (also known as c.167G>C), located in coding exon 1 of the CDKN1B gene, results from a G to C substitution at nucleotide position 167. The serine at codon 56 is replaced by threonine, an amino acid with similar properties. This amino acid position is not well conserved in available vertebrate species. In addition, this alteration is predicted to be tolerated by in silico analysis. Since supporting evidence is limited at this time, the clinical significance of this alteration remains unclear.

GeneDx
Classification: Uncertain significance. Last evaluated: 2022-12-30. Review status: criteria provided, single submitter. Criteria: GeneDx Variant Classification Process June 2021. Collection method: clinical testing. Allele origin: germline. Affected: yes.
Comment: Not observed at significant frequency in large population cohorts (gnomAD); In silico analysis supports that this missense variant does not alter protein structure/function; Identified in two brothers with pituitary adenomas, but also identified in control individuals (Tichomirowa et al., 2012); This variant is associated with the following publications: (PMID: 22291433, 23800691)

Literature cited by the submitters: PubMed 22291433 (cited by 3 submitters); PubMed 34788985 (cited by Quest Diagnostics Nichols Institute San Juan Capistrano).

NM_004064.5(CDKN1B):c.167G>C (p.Ser56Thr)

Gene: CDKN1B (cyclin dependent kinase inhibitor 1B; plus strand). Cytogenetic location: 12p13.1.
Variant type: single nucleotide variant.
Coding change: c.167G>C on transcript NM_004064.5 (MANE Select); coding-DNA position 167, G replaced by C.
Protein change: p.Ser56Thr; replaces serine 56 with threonine.
Molecular consequence: missense variant.
Genome position (GRCh38, 1-based): chr12:12,718,006, G>C. VCF-style: chr12-12718006-G-C. GRCh37 (hg19) VCF-style: chr12-12870940-G-C.
Other names: short protein forms S56T.
Identifiers: ClinVar variation 948905 (VCV000948905.14), dbSNP rs758686055, ClinGen allele CA6457401.